The following is an entry in ClinVar:

ClinVar aggregate classification (germline): Uncertain significance (1 of 4 stars; one submission).

Conditions:
L-2-hydroxyglutaric aciduria (L2HGA). Identifiers: Orphanet 79314, MedGen C1855995, MONDO:0009370, OMIM 236792, HP:0040144.

Submission:

Labcorp Genetics (formerly Invitae), Labcorp
Classification: Uncertain significance for L-2-hydroxyglutaric aciduria. Last evaluated: 2023-08-04. Review status: criteria provided, single submitter. Criteria: Invitae Variant Classification Sherloc (09022015). Collection method: clinical testing. Allele origin: germline.
Comment: In summary, the available evidence is currently insufficient to determine the role of this variant in disease. Therefore, it has been classified as a Variant of Uncertain Significance. An algorithm developed to predict the effect of missense changes on protein structure and function (PolyPhen-2) suggests that this variant is likely to be disruptive. ClinVar contains an entry for this variant (Variation ID: 1998377). This variant has not been reported in the literature in individuals affected with L2HGDH-related conditions. This variant is not present in population databases (gnomAD no frequency). This sequence change replaces arginine, which is basic and polar, with isoleucine, which is neutral and non-polar, at codon 460 of the L2HGDH protein (p.Arg460Ile).

NM_024884.3(L2HGDH):c.1379G>T (p.Arg460Ile)

Gene: L2HGDH (L-2-hydroxyglutarate dehydrogenase; minus strand). Cytogenetic location: 14q21.3.
Variant type: single nucleotide variant.
Coding change: c.1379G>T on transcript NM_024884.3 (MANE Select); coding-DNA position 1379, G replaced by T.
Protein change: p.Arg460Ile; replaces arginine 460 with isoleucine.
Molecular consequence: missense variant.
Genome position (GRCh38, 1-based): chr14:50,247,071, C>A on the plus strand (G>T on the coding strand, the complement: L2HGDH is on the minus strand). VCF-style: chr14-50247071-C-A. GRCh37 (hg19) VCF-style: chr14-50713789-C-A.
Other names: short protein forms R460I.
Identifiers: ClinVar variation 1998377 (VCV001998377.3), dbSNP rs780004372, ClinGen allele CA389647189.